The following is an entry in ClinVar:

NM_014727.3(KMT2B):c.314G>C (p.Arg105Pro)

Gene: KMT2B (lysine methyltransferase 2B; plus strand). Cytogenetic location: 19q13.12.
Variant type: single nucleotide variant.
Coding change: c.314G>C on transcript NM_014727.3 (MANE Select); coding-DNA position 314, G replaced by C.
Protein change: p.Arg105Pro; replaces arginine 105 with proline.
Molecular consequence: missense variant.
Genome position (GRCh38, 1-based): chr19:35,718,332, G>C. VCF-style: chr19-35718332-G-C. GRCh37 (hg19) VCF-style: chr19-36209234-G-C.
Other names: c.314G>C (NM_014727.2); short protein forms R105P.
Identifiers: ClinVar variation 2855426 (VCV002855426.4), dbSNP rs767417273, ClinGen allele CA9383971.
Genomic context (GRCh38, chr19:35,718,332, plus strand): 5'-CCGGCCCGCGGGTCCAGCGGGGCCGGGGACGGGGTCGGGGCCGGGGCTGGGGCCCGAGTC[G>C]AGGCTGCGTGCCGGAGGAGGAGAGCAGTGACGGGGAATCCGACGAGGAGGTGAGGCGGTT-3'
Protein context (NP_055542.1, residues 95-115): RGRGRGWGPS[Arg105Pro]GCVPEEESSD

ClinVar aggregate classification (germline): Uncertain significance. Review status: criteria provided, multiple submitters, no conflicts (2 of 4 stars). 2 submissions from 2 submitters: Uncertain significance (2). Last evaluated 2023-10-04.

Allele frequency attached by ClinVar (database versions not stated): gnomAD exomes below 0.00001; TOPMed below 0.00001; ExAC 0.00022.
gnomAD v4.1: 1 of 1,254,972 alleles (0.00008%); highest among the groups gnomAD compares: Admixed American, 0.004%; no homozygotes.

Submissions (2):

Labcorp Genetics (formerly Invitae), Labcorp
Classification: Uncertain significance. Last evaluated: 2023-10-04. Review status: criteria provided, single submitter. Criteria: Invitae Variant Classification Sherloc (09022015). Collection method: clinical testing. Allele origin: germline.
Comment: This sequence change replaces arginine, which is basic and polar, with proline, which is neutral and non-polar, at codon 105 of the KMT2B protein (p.Arg105Pro). This variant is not present in population databases (gnomAD no frequency). This variant has not been reported in the literature in individuals affected with KMT2B-related conditions. Advanced modeling of protein sequence and biophysical properties (such as structural, functional, and spatial information, amino acid conservation, physicochemical variation, residue mobility, and thermodynamic stability) has been performed at Invitae for this missense variant, however the output from this modeling did not meet the statistical confidence thresholds required to predict the impact of this variant on KMT2B protein function. In summary, the available evidence is currently insufficient to determine the role of this variant in disease. Therefore, it has been classified as a Variant of Uncertain Significance.

GeneDx
Classification: Uncertain significance. Last evaluated: 2023-05-26. Review status: criteria provided, single submitter. Criteria: GeneDx Variant Classification Process June 2021. Collection method: clinical testing. Allele origin: germline. Affected: yes.
Comment: Not observed at significant frequency in large population cohorts (gnomAD); In silico analysis supports that this missense variant does not alter protein structure/function; Has not been previously published as pathogenic or benign to our knowledge